The following is an entry in ClinVar:

ClinVar aggregate classification (germline): Pathogenic/Likely pathogenic. Review status: criteria provided, multiple submitters, no conflicts (2 of 4 stars). 2 submissions from 2 submitters: Pathogenic (1); Likely pathogenic (1). Last evaluated 2022-02-27.

Conditions:
Hypertrophic cardiomyopathy 4. Also called: Familial hypertrophic cardiomyopathy 4. Identifiers: MedGen C1861862, MONDO:0007268, OMIM 115197.
Hypertrophic cardiomyopathy. Also called: HYPERTROPHIC MYOCARDIOPATHY. Identifiers: Orphanet 217569, MedGen C0007194, MeSH D002312, MONDO:0005045, HP:0001639.

Submissions (2):

Labcorp Genetics (formerly Invitae), Labcorp
Classification: Pathogenic for Hypertrophic cardiomyopathy. Last evaluated: 2022-02-27. Review status: criteria provided, single submitter. Criteria: Invitae Variant Classification Sherloc (09022015). Collection method: clinical testing. Allele origin: germline.
Comment: For these reasons, this variant has been classified as Pathogenic. ClinVar contains an entry for this variant (Variation ID: 217477). This premature translational stop signal has been observed in individual(s) with hypertrophic cardiomyopathy (PMID: 30297972). This variant is not present in population databases (gnomAD no frequency). This sequence change creates a premature translational stop signal (p.Asn850Lysfs*29) in the MYBPC3 gene. It is expected to result in an absent or disrupted protein product. Loss-of-function variants in MYBPC3 are known to be pathogenic (PMID: 19574547).

Laboratory of Genetics and Molecular Cardiology, University of São Paulo
Classification: Likely pathogenic for Hypertrophic cardiomyopathy 4. Review status: criteria provided, single submitter. Criteria: LGCM Criteria August 2015. Collection method: clinical testing. Allele origin: germline. Inheritance: Autosomal dominant inheritance. Affected: yes. Observed: 2 variant alleles. Study: Sarcomeric Human Cardiomyopathy Registry (ShaRe).

Literature cited by the submitters: PubMed 30297972 (cited by Labcorp Genetics (formerly Invitae), Labcorp); PubMed 19574547 (cited by Labcorp Genetics (formerly Invitae), Labcorp).

NM_000256.3(MYBPC3):c.2550del (p.Asn850fs)

Gene: MYBPC3 (myosin binding protein C3; minus strand). Cytogenetic location: 11p11.2.
Variant type: Deletion.
Coding change: c.2550del on transcript NM_000256.3 (MANE Select); coding-DNA position 2550, one base deleted (C; older notation c.2550delC).
Protein change: p.Asn850fs; shifts the reading frame from asparagine 850.
Molecular consequence: frameshift variant.
Genome position (GRCh38, 1-based): chr11:47,337,443, G deleted on the plus strand (C on the coding strand, the reverse complement: MYBPC3 is on the minus strand). VCF-style (leftmost placement, unchanged base first): chr11-47337442-CG-C. GRCh37 (hg19) VCF-style: chr11-47358993-CG-C.
Other names: c.2550_2550del (NM_000256.3); short protein forms N850fs.
Identifiers: ClinVar variation 217477 (VCV000217477.4), dbSNP rs863225105, ClinGen allele CA279283.